The following is an entry in ClinVar:

ClinVar aggregate classification (germline): Uncertain significance (1 of 4 stars; one submission).

Conditions:
Chédiak-Higashi syndrome (CHS). Also called: Chediak-Higashi Syndrome. Identifiers: Orphanet 167, MedGen C0007965, MONDO:0008963, OMIM 214500.

Submission:

Labcorp Genetics (formerly Invitae), Labcorp
Classification: Uncertain significance for Chédiak-Higashi syndrome. Last evaluated: 2021-12-18. Review status: criteria provided, single submitter. Criteria: Invitae Variant Classification Sherloc (09022015). Collection method: clinical testing. Allele origin: germline.
Comment: This sequence change replaces valine, which is neutral and non-polar, with isoleucine, which is neutral and non-polar, at codon 3557 of the LYST protein (p.Val3557Ile). This variant is not present in population databases (gnomAD no frequency). This variant has not been reported in the literature in individuals affected with LYST-related conditions. Algorithms developed to predict the effect of missense changes on protein structure and function output the following: SIFT: "Tolerated"; PolyPhen-2: "Benign"; Align-GVGD: "Class C0". The isoleucine amino acid residue is found in multiple mammalian species, which suggests that this missense change does not adversely affect protein function. In summary, the available evidence is currently insufficient to determine the role of this variant in disease. Therefore, it has been classified as a Variant of Uncertain Significance.

NM_000081.4(LYST):c.10669G>A (p.Val3557Ile)

Gene: LYST (lysosomal trafficking regulator; minus strand). Cytogenetic location: 1q42.3.
Variant type: single nucleotide variant.
Coding change: c.10669G>A on transcript NM_000081.4 (MANE Select); coding-DNA position 10669, G replaced by A.
Protein change: p.Val3557Ile; replaces valine 3557 with isoleucine.
Molecular consequence: missense variant.
Genome position (GRCh38, 1-based): chr1:235,693,382, C>T on the plus strand (G>A on the coding strand, the complement: LYST is on the minus strand). VCF-style: chr1-235693382-C-T. GRCh37 (hg19) VCF-style: chr1-235856682-C-T.
Other names: c.10669G>A, p.Val3557Ile (NM_001301365.1); short protein forms V3557I.
Identifiers: ClinVar variation 1490469 (VCV001490469.3), dbSNP rs148389013, ClinGen allele CA344926075.
Genomic context (GRCh38, chr1:235,693,382, plus strand): 5'-AATAAATAAAATAAAATAAAGTGTTTACCTGGTACTGTTGTGAACTTTGAATAAAGTTTA[C>T]TGGAGGCTCACTTTGTTTACTCTTCAACCTTAAAATATTATCAGCATATCCCCAGCTCAG-3'
Protein context (NP_000072.2, residues 3547-3567): RLKSKQSEPP[Val3557Ile]NFIQSSQQYQ